The following is an entry in ClinVar:

ClinVar aggregate classification (germline): Uncertain significance (1 of 4 stars; one submission).

Conditions:
Leigh syndrome (NULS). Also called: Leigh's necrotizing encephalopathy; Leigh's disease; Leigh Syndrome (mtDNA deletion); Leigh Disease; Subacute necrotizing encephalopathy; Necrotizing encephalopathy infantile subacute of Leigh. Identifiers: Orphanet 506, MedGen C2931891, MONDO:0009723, OMIM 256000.

Submission:

Wong Mito Lab, Molecular and Human Genetics, Baylor College of Medicine
Classification: Uncertain significance for Leigh syndrome. Last evaluated: 2019-10-17. Review status: criteria provided, single submitter. Criteria: Modified ACMG Guidelines (Unpublished). Collection method: clinical testing. Allele origin: germline.
Comment: The NC_012920.1:m.8381A>T (YP_003024030.1:p.Thr6Ser) variant in MTATP8 gene is interpretated to be a Uncertain Significance variant based on the modified ACMG guidelines (unpublished). This variant meets the following evidence codes: PP7, BS4

NC_012920.1(MT-ATP8):m.8381A>T

Gene: MT-ATP8 (mitochondrially encoded ATP synthase 8; plus strand).
Variant type: single nucleotide variant.
Genome position: chrM-8381-A-T.
Identifiers: ClinVar variation 692838 (VCV000692838.1), dbSNP rs1603221438, ClinGen allele CA414795858.